The following is an entry in ClinVar:

NM_020376.4(PNPLA2):c.161C>G (p.Thr54Arg)

Genes: PNPLA2 (patatin like domain 2, triacylglycerol lipase; plus strand), LOC130005097 (ATAC-STARR-seq lymphoblastoid silent region 3036; plus strand). Cytogenetic location: 11p15.5.
Variant type: single nucleotide variant.
Coding change: c.161C>G on transcript NM_020376.4 (MANE Select); coding-DNA position 161, C replaced by G.
Protein change: p.Thr54Arg; replaces threonine 54 with arginine.
Molecular consequence: missense variant.
Genome position (GRCh38, 1-based): chr11:819,879, C>G. VCF-style: chr11-819879-C-G. GRCh37 (hg19) VCF-style: chr11-819879-C-G.
Other names: short protein forms T54R.
Identifiers: ClinVar variation 1032838 (VCV001032838.1), dbSNP rs1845609685, ClinGen allele CA378977184.
Genomic context (GRCh38, chr11:819,879, plus strand): 5'-CCTTCCTGGTGGCCAACGCCACGCACATCTACGGCGCCTCGGCCGGGGCGCTCACGGCCA[C>G]GGCGCTGGTCACCGGGGTCTGCCTGGGTGAGCGGGGCCGGGGGCGGCAGGCGGGGGGCTG-3'
Protein context (NP_065109.1, residues 44-64): YGASAGALTA[Thr54Arg]ALVTGVCLGE

ClinVar aggregate classification (germline): Uncertain significance (1 of 4 stars; one submission).

Conditions:
Neutral lipid storage myopathy (NLSDM). Also called: NEUTRAL LIPID STORAGE DISEASE WITHOUT ICHTHYOSIS. Identifiers: Orphanet 98908, MedGen C1853136, MONDO:0012545, OMIM 610717.

Submission:

Baylor Genetics
Classification: Uncertain significance for Neutral lipid storage myopathy. Last evaluated: 2018-03-21. Review status: criteria provided, single submitter. Criteria: ACMG Guidelines, 2015. Collection method: clinical testing. Allele origin: unknown. Affected: yes.
Comment: This variant was determined to be of uncertain significance according to ACMG Guidelines, 2015 [PMID:25741868].